The following is an entry in ClinVar:

ClinVar aggregate classification (germline): Conflicting classifications of pathogenicity. Review status: criteria provided, conflicting classifications (1 of 4 stars). 7 submissions from 7 submitters: Uncertain significance (2); Likely benign (5). Last evaluated 2026-09-01.

Conditions:
Hereditary spastic paraplegia 48. Also called: SPASTIC PARAPLEGIA 48, AUTOSOMAL RECESSIVE; Spastic paraplegia 48. Identifiers: Orphanet 306511, MedGen C3150901, MONDO:0013342, OMIM 613647.
AP5Z1-related disorder. Also called: AP5Z1-related condition.
Hereditary spastic paraplegia. Also called: Familial spastic paraparesis. Identifiers: Orphanet 685, MedGen C0037773, MONDO:0019064. Disease mechanism: loss of function.

Allele frequency attached by ClinVar (database versions not stated): 1000 Genomes Project 30x 0.00109; ESP Exome Variant Server 0.00111; gnomAD 0.00114 and 0.00116; 1000 Genomes Project 0.00120; TOPMed 0.00122; ExAC 0.00135.
gnomAD v4.1: 1,797 of 1,583,996 alleles (0.11%); highest among the groups gnomAD compares: Non-Finnish European, 0.14%; 4 homozygotes.

Submissions (7):

CeGaT Center for Human Genetics Tuebingen
Classification: Likely benign. Last evaluated: 2026-09-01. Review status: criteria provided, single submitter. Criteria: CeGaT Center For Human Genetics Tuebingen Variant Classification Criteria Version 2. Collection method: clinical testing. Allele origin: germline. Affected: yes. Observed: 8 variant alleles.
Comment: AP5Z1: BP4, BP7

Labcorp Genetics (formerly Invitae), Labcorp
Classification: Likely benign for Hereditary spastic paraplegia 48. Last evaluated: 2026-01-27. Review status: criteria provided, single submitter. Criteria: Invitae Variant Classification Sherloc (09022015). Collection method: clinical testing. Allele origin: germline.

PreventionGenetics, part of Exact Sciences
Classification: Likely benign for AP5Z1-related condition. Last evaluated: 2026-01-06. Review status: criteria provided, single submitter. Criteria: ACMG Guidelines, 2015. Collection method: clinical testing. Allele origin: germline.
Comment: This variant is classified as likely benign based on ACMG/AMP sequence variant interpretation guidelines (Richards et al. 2015 PMID: 25741868, with internal and published modifications).

Mayo Clinic Laboratories, Mayo Clinic
Classification: Likely benign. Last evaluated: 2025-12-15. Review status: criteria provided, single submitter. Criteria: ACMG Guidelines, 2015. Collection method: clinical testing. Allele origin: germline. Observed: 5 variant alleles.
Comment: BS1, BP4, BP7

Blueprint Genetics
Classification: Likely benign. Last evaluated: 2024-10-25. Review status: criteria provided, single submitter. Criteria: ACMG Guidelines, 2015. Collection method: clinical testing. Allele origin: germline.

Genome Diagnostics Laboratory, The Hospital for Sick Children
Classification: Uncertain significance for Hereditary spastic paraplegia. Last evaluated: 2021-08-19. Review status: criteria provided, single submitter. Criteria: ACMG Guidelines, 2015. Collection method: clinical testing. Allele origin: germline. Affected: yes.

Illumina Laboratory Services, Illumina
Classification: Uncertain significance for Hereditary spastic paraplegia 48. Last evaluated: 2018-01-12. Review status: criteria provided, single submitter. Criteria: ICSL Variant Classification Criteria 13 December 2019. Collection method: clinical testing. Allele origin: germline.

NM_014855.3(AP5Z1):c.1062C>T (p.His354=)

Gene: AP5Z1 (adaptor related protein complex 5 subunit zeta 1; plus strand). Cytogenetic location: 7p22.1.
Variant type: single nucleotide variant.
Coding change: c.1062C>T on transcript NM_014855.3 (MANE Select); coding-DNA position 1062, C replaced by T.
Protein change: p.His354=; no amino-acid change (histidine 354 retained).
Molecular consequence: synonymous variant. On other transcripts: non-coding transcript variant (1).
Genome position (GRCh38, 1-based): chr7:4,785,614, C>T. VCF-style: chr7-4785614-C-T. GRCh37 (hg19) VCF-style: chr7-4825245-C-T.
Other names: p.His354=; c.1062C>T, p.His354= (LRG_1247t1); c.594C>T, p.His198= (NM_001364858.1).
Identifiers: ClinVar variation 417162 (VCV000417162.55), dbSNP rs192441133, ClinGen allele CA4137582.